The following is an entry in ClinVar:

ClinVar aggregate classification (germline): Benign/Likely benign. Review status: criteria provided, multiple submitters, no conflicts (2 of 4 stars). 5 submissions from 5 submitters: Benign (1); Likely benign (2). 2 of the submissions do not count toward it. Last evaluated 2024-04-24.

Allele frequency attached by ClinVar (database versions not stated): gnomAD 0.00005 and 0.00006; gnomAD exomes 0.00005 and 0.00002; TOPMed 0.00005; ExAC 0.00001.
gnomAD v4.1: 46 of 1,611,058 alleles (0.0029%); highest among the groups gnomAD compares: Non-Finnish European, 0.0034%; no homozygotes.

Submissions (5):

Labcorp Genetics (formerly Invitae), Labcorp
Classification: Likely benign. Last evaluated: 2024-04-24. Review status: criteria provided, single submitter. Criteria: Invitae Variant Classification Sherloc (09022015). Collection method: clinical testing. Allele origin: germline.

Centre of Medical Genetics, University Hospital Muenster
Classification: Likely benign. Last evaluated: 2022-06-13. Review status: criteria provided, single submitter. Criteria: ACMG Guidelines, 2015. Collection method: clinical testing. Allele origin: unknown. Affected: yes. Observed: 1 variant allele, 1 heterozygote.
Comment: ACMG categories: BP4,BP6,BP7

Athena Diagnostics
Classification: Benign. Last evaluated: 2018-06-11. Review status: criteria provided, single submitter. Criteria: Athena Diagnostics Criteria. Collection method: clinical testing. Allele origin: germline.

Clinical Genetics DNA and cytogenetics Diagnostics Lab, Erasmus MC, Erasmus Medical Center
Classification: Likely benign. Review status: no assertion criteria provided. Collection method: clinical testing. Allele origin: germline. Affected: yes. Study: VKGL Data-share Consensus. Not counted in ClinVar's aggregate classification.

Genome Diagnostics Laboratory, Amsterdam University Medical Center
Classification: Likely benign. Review status: no assertion criteria provided. Collection method: clinical testing. Allele origin: germline. Affected: yes. Study: VKGL Data-share Consensus. Not counted in ClinVar's aggregate classification.

NM_000435.3(NOTCH3):c.432C>T (p.Cys144=)

Gene: NOTCH3 (notch receptor 3; minus strand). Cytogenetic location: 19p13.12.
Variant type: single nucleotide variant.
Coding change: c.432C>T on transcript NM_000435.3 (MANE Select); coding-DNA position 432, C replaced by T.
Protein change: p.Cys144=; no amino-acid change (cysteine 144 retained).
Molecular consequence: synonymous variant.
Genome position (GRCh38, 1-based): chr19:15,192,207, G>A on the plus strand (C>T on the coding strand, the complement: NOTCH3 is on the minus strand). VCF-style: chr19-15192207-G-A. GRCh37 (hg19) VCF-style: chr19-15303018-G-A.
Identifiers: ClinVar variation 447847 (VCV000447847.11), dbSNP rs748339634, ClinGen allele CA9263885.
Genomic context (GRCh38, chr19:15,192,207, plus strand): 5'-CACCCGGCACTCATCCACGTCGCTTCGGCAGCTGCGGCCCTGGTAGCCAGGTGGGCAGGA[G>A]CAGAGGAAGCGTCCATCGGGCCCCACTGAGCAGCGGGCACCGTGGGCACAAGGGCTGCTG-3'
Protein context (NP_000426.2, residues 134-154): CSVGPDGRFL[Cys144=]SCPPGYQGRS